The following is an entry in ClinVar:

NM_199355.4(ADAMTS18):c.1850A>G (p.Asn617Ser)

Gene: ADAMTS18 (ADAM metallopeptidase with thrombospondin type 1 motif 18; minus strand). Cytogenetic location: 16q23.1.
Variant type: single nucleotide variant.
Coding change: c.1850A>G on transcript NM_199355.4 (MANE Select); coding-DNA position 1850, A replaced by G.
Protein change: p.Asn617Ser; replaces asparagine 617 with serine.
Molecular consequence: missense variant.
Genome position (GRCh38, 1-based): chr16:77,335,765, T>C on the plus strand (A>G on the coding strand, the complement: ADAMTS18 is on the minus strand). VCF-style: chr16-77335765-T-C. GRCh37 (hg19) VCF-style: chr16-77369662-T-C.
Other names: c.1334A>G, p.Asn445Ser (NM_001326358.2); short protein forms N617S, N445S.
Identifiers: ClinVar variation 1397233 (VCV001397233.3), dbSNP rs1403947986, ClinGen allele CA396831727.

ClinVar aggregate classification (germline): Uncertain significance (1 of 4 stars; one submission).

Allele frequency attached by ClinVar (database versions not stated): gnomAD exomes below 0.00001 and 0.00001; TOPMed below 0.00001.
gnomAD v4.1: 12 of 1,614,242 alleles (0.00074%); highest among the groups gnomAD compares: African/African-American, 0.0013%; no homozygotes.

Submission:

Labcorp Genetics (formerly Invitae), Labcorp
Classification: Uncertain significance. Last evaluated: 2022-02-23. Review status: criteria provided, single submitter. Criteria: Invitae Variant Classification Sherloc (09022015). Collection method: clinical testing. Allele origin: germline.
Comment: This sequence change replaces asparagine with serine at codon 617 of the ADAMTS18 protein (p.Asn617Ser). The asparagine residue is moderately conserved and there is a small physicochemical difference between asparagine and serine. This variant is present in population databases (no rsID available, gnomAD 0.007%). This variant has not been reported in the literature in individuals affected with ADAMTS18-related conditions. Algorithms developed to predict the effect of missense changes on protein structure and function output the following: SIFT: "Not Available"; PolyPhen-2: "Benign"; Align-GVGD: "Not Available". The serine amino acid residue is found in multiple mammalian species, which suggests that this missense change does not adversely affect protein function. In summary, the available evidence is currently insufficient to determine the role of this variant in disease. Therefore, it has been classified as a Variant of Uncertain Significance.